The following is an entry in ClinVar:

ClinVar aggregate classification (germline): Benign. Review status: criteria provided, multiple submitters, no conflicts (2 of 4 stars). 9 submissions from 9 submitters: Benign (5). 4 of the submissions do not count toward it. Last evaluated 2026-02-02.

Conditions:
DNMT1-related disorder. Also called: DNMT1-related condition. Identifiers: MedGen CN381527.
Hereditary sensory neuropathy-deafness-dementia syndrome. Also called: HSN IE; NEUROPATHY, HEREDITARY SENSORY, WITH HEARING LOSS AND DEMENTIA; Hereditary Sensory and Autonomic Neuropathy Type 1E (HSAN1E); Hereditary sensory neuropathy type IE. Identifiers: Orphanet 456318, MedGen C3279885, MONDO:0013584, OMIM 614116.

Allele frequency attached by ClinVar (database versions not stated): ESP Exome Variant Server 0.00062; TOPMed 0.00193; gnomAD exomes 0.00371 and 0.00872; gnomAD 0.00548 and 0.00581; ExAC 0.00772; 1000 Genomes Project 30x 0.00781; 1000 Genomes Project 0.00859.
gnomAD v4.1: 6,533 of 1,613,518 alleles (0.4%); highest among the groups gnomAD compares: East Asian, 3.5%; 131 homozygotes.

Submissions (9):

Labcorp Genetics (formerly Invitae), Labcorp
Classification: Benign for Hereditary sensory neuropathy-deafness-dementia syndrome. Last evaluated: 2026-02-02. Review status: criteria provided, single submitter. Criteria: Invitae Variant Classification Sherloc (09022015). Collection method: clinical testing. Allele origin: germline.

ARUP Laboratories, Molecular Genetics and Genomics, ARUP Laboratories
Classification: Benign. Last evaluated: 2025-07-17. Review status: criteria provided, single submitter. Criteria: ARUP Molecular Germline Variant Investigation Process 2024. Collection method: clinical testing. Allele origin: germline.

Illumina Laboratory Services, Illumina
Classification: Benign for Hereditary sensory neuropathy-deafness-dementia syndrome. Last evaluated: 2018-01-13. Review status: criteria provided, single submitter. Criteria: ICSL Variant Classification Criteria 13 December 2019. Collection method: clinical testing. Allele origin: germline.
Comment: This variant was observed in the ICSL laboratory as part of a predisposition screen in an ostensibly healthy population. It had not been previously curated by ICSL or reported in the Human Gene Mutation Database (HGMD: prior to June 1st, 2018), and was therefore a candidate for classification through an automated scoring system. Utilizing variant allele frequency, disease prevalence and penetrance estimates, and inheritance mode, an automated score was calculated to assess if this variant is too frequent to cause the disease. Based on the score and internal cut-off values, a variant classified as benign is not then subjected to further curation. The score for this variant resulted in a classification of benign for this disease.

GeneDx
Classification: Benign. Last evaluated: 2016-03-25. Review status: criteria provided, single submitter. Criteria: GeneDx Variant Classification (06012015). Collection method: clinical testing. Allele origin: germline. Affected: yes.
Comment: This variant is considered likely benign or benign based on one or more of the following criteria: it is a conservative change, it occurs at a poorly conserved position in the protein, it is predicted to be benign by multiple in silico algorithms, and/or has population frequency not consistent with disease.

Breakthrough Genomics
Classification: Benign. Review status: criteria provided, single submitter. Criteria: ACMG Guidelines, 2015. Collection method: not provided. Allele origin: germline. Inheritance: Autosomal dominant inheritance. Affected: yes.

PreventionGenetics, part of Exact Sciences
Classification: Benign for DNMT1-related condition. Last evaluated: 2019-11-18. Review status: no assertion criteria provided. Collection method: clinical testing. Allele origin: germline. Not counted in ClinVar's aggregate classification.
Comment: This variant is classified as benign based on ACMG/AMP sequence variant interpretation guidelines (Richards et al. 2015 PMID: 25741868, with internal and published modifications).

Clinical Genetics DNA and cytogenetics Diagnostics Lab, Erasmus MC, Erasmus Medical Center
Classification: Likely benign. Review status: no assertion criteria provided. Collection method: clinical testing. Allele origin: germline. Affected: yes. Study: VKGL Data-share Consensus. Not counted in ClinVar's aggregate classification.

Clinical Genetics, Academic Medical Center
Classification: Benign. Review status: no assertion criteria provided. Collection method: clinical testing. Allele origin: germline. Affected: yes. Study: VKGL Data-share Consensus. Not counted in ClinVar's aggregate classification.

Laboratory of Diagnostic Genome Analysis, Leiden University Medical Center (LUMC)
Classification: Likely benign. Review status: no assertion criteria provided. Collection method: clinical testing. Allele origin: germline. Affected: yes. Study: VKGL Data-share Consensus. Not counted in ClinVar's aggregate classification.

NM_001130823.3(DNMT1):c.2382-4C>T

Gene: DNMT1 (DNA methyltransferase 1; minus strand). Cytogenetic location: 19p13.2.
Variant type: single nucleotide variant.
Coding change: c.2382-4C>T on transcript NM_001130823.3 (MANE Select); 4 bases into the intron before coding-DNA position 2382, C replaced by T.
Molecular consequence: intron variant.
Genome position (GRCh38, 1-based): chr19:10,149,661, G>A on the plus strand (C>T on the coding strand, the complement: DNMT1 is on the minus strand). VCF-style: chr19-10149661-G-A. GRCh37 (hg19) VCF-style: chr19-10260337-G-A.
Other names: c.2334-4C>T (NM_001318730.2, NM_001379.4); c.2019-4C>T (NM_001318731.2); c.2382-4C>T (LRG_362t1, NM_001130823.2).
Identifiers: ClinVar variation 327902 (VCV000327902.32), dbSNP rs74505694, ClinGen allele CA9188056.